The following is an entry in ClinVar:

NM_000101.4(CYBA):c.287+2T>C

Gene: CYBA (cytochrome b-245 alpha chain; minus strand). Cytogenetic location: 16q24.2.
Variant type: single nucleotide variant.
Coding change: c.287+2T>C on transcript NM_000101.4 (MANE Select); the canonical splice donor site of the intron after coding-DNA position 287, T replaced by C.
Molecular consequence: splice donor variant.
Genome position (GRCh38, 1-based): chr16:88,646,753, A>G on the plus strand (T>C on the coding strand, the complement: CYBA is on the minus strand). VCF-style: chr16-88646753-A-G. GRCh37 (hg19) VCF-style: chr16-88713161-A-G.
Identifiers: ClinVar variation 965927 (VCV000965927.15), dbSNP rs747774702, ClinGen allele CA8228329.

ClinVar aggregate classification (germline): Pathogenic/Likely pathogenic. Review status: criteria provided, multiple submitters, no conflicts (2 of 4 stars). 5 submissions from 5 submitters: Pathogenic (3); Likely pathogenic (2). Last evaluated 2026-01-14.

Conditions:
Chronic granulomatous disease. Identifiers: Orphanet 379, MedGen C0018203, MONDO:0018305.
Granulomatous disease, chronic, autosomal recessive, cytochrome b-negative. Also called: Chronic granulomatous disease, autosomal, due to deficiency of CYBA; GRANULOMATOUS DISEASE, CHRONIC, AUTOSOMAL RECESSIVE, 4; CGD DUE TO DEFICIENCY OF THE ALPHA SUBUNIT OF CYTOCHROME b; CGD, AUTOSOMAL RECESSIVE CYTOCHROME b-NEGATIVE; CYBA DEFICIENCY. Identifiers: Orphanet 379, MedGen C1856255, MONDO:0009308, OMIM 233690.
CYBA-related disorder. Also called: CYBA-related condition.

Allele frequency attached by ClinVar (database versions not stated): gnomAD 0.00001; TOPMed 0.00001; gnomAD exomes 0.00002 and 0.00003; ExAC 0.00005.

Submissions (5):

Clinical Genetics Laboratory, Skane University Hospital Lund
Classification: Pathogenic for Granulomatous disease, chronic, autosomal recessive, cytochrome b-negative. Last evaluated: 2026-01-14. Review status: criteria provided, single submitter. Criteria: ACMG Guidelines, 2015. Collection method: clinical testing. Allele origin: germline. Inheritance: Autosomal recessive inheritance. Affected: yes.
Comment: PVS1_Strong, PS1, PM2 and PM3

Labcorp Genetics (formerly Invitae), Labcorp
Classification: Pathogenic for Granulomatous disease, chronic, autosomal recessive, cytochrome b-negative. Last evaluated: 2025-08-18. Review status: criteria provided, single submitter. Criteria: Invitae Variant Classification Sherloc (09022015). Collection method: clinical testing. Allele origin: germline.
Comment: This sequence change affects a donor splice site in intron 4 of the CYBA gene. RNA analysis indicates that disruption of this splice site induces altered splicing and likely results in a shortened protein product. This variant is present in population databases (rs747774702, gnomAD 0.006%). Disruption of this splice site has been observed in individual(s) with clinical features of chronic granulomatous disease (PMID: 1415254, 20167518, 22924696, 27537055). ClinVar contains an entry for this variant (Variation ID: 965927). Studies have shown that disruption of this splice site alters CYBA gene expression (PMID: 1415254). Studies have shown that disruption of this splice site results in skipping of exon 4, but is expected to preserve the integrity of the reading-frame (PMID: 1415254). This variant disrupts the p.Arg90 amino acid residue in CYBA. Other variant(s) that disrupt this residue have been determined to be pathogenic (PMID: 10910929, 20167518). This suggests that this residue is clinically significant, and that variants that disrupt this residue are likely to be disease-causing. For these reasons, this variant has been classified as Pathogenic.

Natera, Inc.
Classification: Likely pathogenic for Chronic granulomatous disease. Last evaluated: 2024-12-13. Review status: criteria provided, single submitter. Criteria: Natera Variant Classification Schema (03/2026). Collection method: clinical testing. Allele origin: germline.
Comment: The c.287+2T>C variant in CYBA is a canonical splice donor site variant predicted to affect pre-mRNA splicing, which may result in an abnormal transcript and altered protein product. This variant is expected to result in nonsense mediated decay, truncation, or a dysfunctional protein product. This variant is rare in the general population with a frequency below the threshold expected for the associated phenotype(s). Given the available evidence, this variant is classified as Likely Pathogenic.

Fulgent Genetics
Classification: Pathogenic for Granulomatous disease, chronic, autosomal recessive, cytochrome b-negative. Last evaluated: 2024-04-09. Review status: criteria provided, single submitter. Criteria: ACMG Guidelines, 2015. Collection method: clinical testing. Allele origin: germline.

Blueprint Genetics
Classification: Likely pathogenic for CYBA-related disorders. Last evaluated: 2023-06-21. Review status: criteria provided, single submitter. Criteria: ACMG Guidelines, 2015. Collection method: clinical testing. Allele origin: germline. Affected: yes. Observed: 2 variant alleles.

Literature cited by the submitters: PubMed 1415254 (cited by Labcorp Genetics (formerly Invitae), Labcorp); PubMed 20167518 (cited by Labcorp Genetics (formerly Invitae), Labcorp); PubMed 22924696 (cited by Labcorp Genetics (formerly Invitae), Labcorp); PubMed 27537055 (cited by Labcorp Genetics (formerly Invitae), Labcorp); PubMed 10910929 (cited by Labcorp Genetics (formerly Invitae), Labcorp).